The following is an entry in ClinVar:

NM_001308093.3(GATA4):c.292G>A (p.Ala98Thr)

Gene: GATA4 (GATA binding protein 4). Cytogenetic location: 8p23.1.
Variant type: single nucleotide variant.
Coding change: c.292G>A on transcript NM_001308093.3 (MANE Select); coding-DNA position 292, G replaced by A.
Protein change: p.Ala98Thr; replaces alanine 98 with threonine.
Molecular consequence: missense variant. On other transcripts: intron variant (3).
Genome position (GRCh38, 1-based): chr8:11,708,604, G>A. VCF-style: chr8-11708604-G-A. GRCh37 (hg19) VCF-style: chr8-11566113-G-A.
Other names: c.292G>A, p.Ala98Thr (NM_002052.5); c.-6+7826G>A (NM_001308094.2); c.-3+590G>A (NM_001374274.1); c.-3+4300G>A (NM_001374273.1); short protein forms A98T.
Identifiers: ClinVar variation 1797798 (VCV001797798.9), dbSNP rs769268305, ClinGen allele CA4630620.
Genomic context (GRCh38, chr8:11,708,604, plus strand): 5'-GCGGGGCCCGGGACCCAGCAGGGCAGCCCGGGATGGAGCCAGGCGGGAGCCGACGGAGCC[G>A]CTTACACCCCGCCGCCGGTGTCGCCGCGCTTCTCCTTCCCGGGGACCACCGGGTCCCTGG-3'
Protein context (NP_001295022.1, residues 88-108): GWSQAGADGA[Ala98Thr]YTPPPVSPRF

ClinVar aggregate classification (germline): Uncertain significance. Review status: criteria provided, multiple submitters, no conflicts (2 of 4 stars). 3 submissions from 3 submitters: Uncertain significance (3). Last evaluated 2025-12-20.

Conditions:
Cardiovascular phenotype. Identifiers: MedGen CN230736.
Atrioventricular septal defect 4 (AVSD4). Identifiers: MedGen C3280781, MONDO:0013747, OMIM 614430.

Allele frequency attached by ClinVar (database versions not stated): gnomAD 0.00001; gnomAD exomes 0.00001; ExAC 0.00040.

Submissions (3):

Labcorp Genetics (formerly Invitae), Labcorp
Classification: Uncertain significance for Atrioventricular septal defect 4. Last evaluated: 2025-12-20. Review status: criteria provided, single submitter. Criteria: Invitae Variant Classification Sherloc (09022015). Collection method: clinical testing. Allele origin: germline.
Comment: This sequence change replaces alanine, which is neutral and non-polar, with threonine, which is neutral and polar, at codon 98 of the GATA4 protein (p.Ala98Thr). The frequency data for this variant in the population databases is considered unreliable, as metrics indicate poor data quality at this position in the gnomAD database. This variant has not been reported in the literature in individuals affected with GATA4-related conditions. ClinVar contains an entry for this variant (Variation ID: 1797798). Invitae Evidence Modeling of protein sequence and biophysical properties (such as structural, functional, and spatial information, amino acid conservation, physicochemical variation, residue mobility, and thermodynamic stability) indicates that this missense variant is not expected to disrupt GATA4 protein function with a negative predictive value of 95%. In summary, the available evidence is currently insufficient to determine the role of this variant in disease. Therefore, it has been classified as a Variant of Uncertain Significance.

Ambry Genetics
Classification: Uncertain significance for Cardiovascular phenotype. Last evaluated: 2025-03-31. Review status: criteria provided, single submitter. Criteria: Ambry Variant Classification Scheme 2023. Collection method: clinical testing. Allele origin: germline.
Comment: The p.A98T variant (also known as c.292G>A), located in coding exon 1 of the GATA4 gene, results from a G to A substitution at nucleotide position 292. The alanine at codon 98 is replaced by threonine, an amino acid with similar properties. This amino acid position is conserved. In addition, the in silico prediction for this alteration is inconclusive. Since supporting evidence is limited at this time, the clinical significance of this alteration remains unclear.

GeneDx
Classification: Uncertain significance. Last evaluated: 2024-12-26. Review status: criteria provided, single submitter. Criteria: GeneDx Variant Classification Process June 2021. Collection method: clinical testing. Allele origin: germline. Affected: yes.
Comment: In silico analysis indicates that this missense variant does not alter protein structure/function; Has not been previously published as pathogenic or benign to our knowledge